The following is an entry in ClinVar:

ClinVar aggregate classification (germline): Conflicting classifications of pathogenicity. Review status: criteria provided, conflicting classifications (1 of 4 stars). 8 submissions from 8 submitters: Uncertain significance (1); Likely benign (4). 3 of the submissions do not count toward it. Last evaluated 2026-07-01.

Conditions:
F12-related disorder. Also called: F12-related condition; F12-related disorders. Identifiers: MedGen CN239389.
Factor XII deficiency disease. Also called: Reduced factor XII activity; HAF DEFICIENCY; Congenital factor XII deficiency; F12 DEFICIENCY. Identifiers: Orphanet 330, MedGen C0015526, MONDO:0009315, OMIM 234000, HP:0004841.
Hereditary angioedema type 3 (HAE3). Also called: HAE WITH NORMAL C1 INHIBITOR CONCENTRATION AND FUNCTION; ANGIONEUROTIC EDEMA, HEREDITARY, WITH NORMAL C1 INHIBITOR CONCENTRATION AND FUNCTION; ESTROGEN-RELATED HAE; ESTROGEN-SENSITIVE HAE. Identifiers: Orphanet 100054, MedGen C1857728, MONDO:0012526, OMIM 610618.

Allele frequency attached by ClinVar (database versions not stated): TOPMed 0.00186; gnomAD 0.00289 and 0.00297; gnomAD exomes 0.00396; ESP Exome Variant Server 0.00153; 1000 Genomes Project 30x 0.00203; 1000 Genomes Project 0.00220.

Submissions (8):

CeGaT Center for Human Genetics Tuebingen
Classification: Likely benign. Last evaluated: 2026-07-01. Review status: criteria provided, single submitter. Criteria: CeGaT Center For Human Genetics Tuebingen Variant Classification Criteria Version 2. Collection method: clinical testing. Allele origin: germline. Affected: yes. Observed: 11 variant alleles.
Comment: F12: BS2

Mayo Clinic Laboratories, Mayo Clinic
Classification: Uncertain significance. Last evaluated: 2025-05-28. Review status: criteria provided, single submitter. Criteria: ACMG Guidelines, 2015. Collection method: clinical testing. Allele origin: germline. Observed: 5 variant alleles.
Comment: PS3_supporting

Blueprint Genetics
Classification: Likely benign. Last evaluated: 2024-11-22. Review status: criteria provided, single submitter. Criteria: ACMG Guidelines, 2015. Collection method: clinical testing. Allele origin: germline.

Fulgent Genetics
Classification: Likely benign for Factor XII deficiency disease; Hereditary angioedema type 3. Last evaluated: 2021-07-05. Review status: criteria provided, single submitter. Criteria: ACMG Guidelines, 2015. Collection method: clinical testing. Allele origin: unknown.

GeneDx
Classification: Likely benign. Last evaluated: 2020-01-08. Review status: criteria provided, single submitter. Criteria: GeneDx Variant Classification Process June 2021. Collection method: clinical testing. Allele origin: germline. Affected: yes.
Comment: See Variant Classification Assertion Criteria.

PreventionGenetics, part of Exact Sciences
Classification: Likely benign for F12-related condition. Last evaluated: 2022-08-03. Review status: no assertion criteria provided. Collection method: clinical testing. Allele origin: germline. Not counted in ClinVar's aggregate classification.
Comment: This variant is classified as likely benign based on ACMG/AMP sequence variant interpretation guidelines (Richards et al. 2015 PMID: 25741868, with internal and published modifications).

Diagnostic Laboratory, Department of Genetics, University Medical Center Groningen
Classification: Likely benign. Review status: no assertion criteria provided. Collection method: clinical testing. Allele origin: germline. Affected: yes. Study: VKGL Data-share Consensus. Not counted in ClinVar's aggregate classification.

Joint Genome Diagnostic Labs from Nijmegen and Maastricht, Radboudumc and MUMC+
Classification: Likely benign. Review status: no assertion criteria provided. Collection method: clinical testing. Allele origin: germline. Affected: yes. Study: VKGL Data-share Consensus. Not counted in ClinVar's aggregate classification.

Literature cited by the submitters: PubMed 18832903 (cited by Mayo Clinic Laboratories, Mayo Clinic); PubMed 19786295 (cited by Mayo Clinic Laboratories, Mayo Clinic); PubMed 36627437 (cited by Mayo Clinic Laboratories, Mayo Clinic); PubMed 8641707 (cited by Mayo Clinic Laboratories, Mayo Clinic); PubMed 9354665 (cited by Mayo Clinic Laboratories, Mayo Clinic).

NC_000005.10:g.177409584C>G

Gene: F12 (coagulation factor XII; minus strand). Cytogenetic location: 5q35.3.
Variant type: single nucleotide variant.
Genome position: GRCh38 VCF-style: chr5-177409584-C-G. GRCh37 (hg19) VCF-style: chr5-176836585-C-G.
Other names: p.?.
Identifiers: ClinVar variation 369462 (VCV000369462.38), dbSNP rs41309132, ClinGen allele CA10654680.